The following is an entry in ClinVar:

ClinVar aggregate classification (germline): Uncertain significance. Review status: criteria provided, multiple submitters, no conflicts (2 of 4 stars). 2 submissions from 2 submitters: Uncertain significance (2). Last evaluated 2026-07-24.

Conditions:
Gorlin syndrome. Also called: Nevoid Basal Cell Carcinoma Syndrome; Basal cell nevus syndrome. Identifiers: Orphanet 377, MedGen C0004779, MONDO:0007187.
Hereditary cancer-predisposing syndrome. Also called: Hereditary neoplastic syndrome; Hereditary Cancer Syndrome; Neoplastic Syndromes, Hereditary; Tumor predisposition. Identifiers: Orphanet 140162, MedGen C0027672, MeSH D009386, MONDO:0015356.

gnomAD v4.1: 1 of 1,614,050 alleles (0.000062%); highest among the groups gnomAD compares: Non-Finnish European, 0.000085%; no homozygotes.

Submissions (2):

Ambry Genetics
Classification: Uncertain significance for Hereditary cancer-predisposing syndrome. Last evaluated: 2026-07-24. Review status: criteria provided, single submitter. Criteria: Ambry Variant Classification Scheme 2023. Collection method: clinical testing. Allele origin: germline.
Comment: The p.I1092T variant (also known as c.3275T>C), located in coding exon 19 of the PTCH1 gene, results from a T to C substitution at nucleotide position 3275. The isoleucine at codon 1092 is replaced by threonine, an amino acid with similar properties. This amino acid position is conserved. In addition, this alteration is predicted to be deleterious by in silico analysis. Based on the available evidence, the clinical significance of this variant remains unclear.

Labcorp Genetics (formerly Invitae), Labcorp
Classification: Uncertain significance for Gorlin syndrome. Last evaluated: 2023-11-29. Review status: criteria provided, single submitter. Criteria: Invitae Variant Classification Sherloc (09022015). Collection method: clinical testing. Allele origin: germline.
Comment: This sequence change replaces isoleucine, which is neutral and non-polar, with threonine, which is neutral and polar, at codon 1092 of the PTCH1 protein (p.Ile1092Thr). This variant is not present in population databases (gnomAD no frequency). This variant has not been reported in the literature in individuals affected with PTCH1-related conditions. Advanced modeling of protein sequence and biophysical properties (such as structural, functional, and spatial information, amino acid conservation, physicochemical variation, residue mobility, and thermodynamic stability) has been performed at Invitae for this missense variant, however the output from this modeling did not meet the statistical confidence thresholds required to predict the impact of this variant on PTCH1 protein function. In summary, the available evidence is currently insufficient to determine the role of this variant in disease. Therefore, it has been classified as a Variant of Uncertain Significance.

NM_000264.5(PTCH1):c.3275T>C (p.Ile1092Thr)

Gene: PTCH1 (patched 1; minus strand). Cytogenetic location: 9q22.32.
Variant type: single nucleotide variant.
Coding change: c.3275T>C on transcript NM_000264.5 (MANE Select); coding-DNA position 3275, T replaced by C.
Protein change: p.Ile1092Thr; replaces isoleucine 1092 with threonine.
Molecular consequence: missense variant. On other transcripts: non-coding transcript variant (1).
Genome position (GRCh38, 1-based): chr9:95,456,307, A>G on the plus strand (T>C on the coding strand, the complement: PTCH1 is on the minus strand). VCF-style: chr9-95456307-A-G. GRCh37 (hg19) VCF-style: chr9-98218589-A-G.
Other names: c.3077T>C, p.Ile1026Thr (NM_001083602.3); c.3272T>C, p.Ile1091Thr (NM_001083603.3); c.2822T>C, p.Ile941Thr (NM_001083604.3, NM_001083605.3, NM_001083606.3 and 1 more transcripts); c.3119T>C, p.Ile1040Thr (NM_001354918.2); short protein forms I1091T, I1092T, I941T, I1026T, I1040T.
Identifiers: ClinVar variation 2626245 (VCV002626245.6), dbSNP rs1588535471, ClinGen allele CA374112016.
Genomic context (GRCh38, chr9:95,456,307, plus strand): 5'-AAAGTTTTTGCTTCAAATGTCTCCCATACCAAAGCAACGTGAACGGTGAACTCCACTCCT[A>G]TGCCAACAGAAGCGATCAGGATGACCACGGGCACGGCACTGAGCTTGATTCCGATGAGGC-3'
Protein context (NP_000255.2, residues 1082-1102): PVVILIASVG[Ile1092Thr]GVEFTVHVAL